The following is an entry in ClinVar:

ClinVar aggregate classification (germline): Uncertain significance. Review status: criteria provided, multiple submitters, no conflicts (2 of 4 stars). 2 submissions from 2 submitters: Uncertain significance (2). Last evaluated 2025-04-30.

Conditions:
Dilated cardiomyopathy 1S (CMD1S). Identifiers: Orphanet 154, Orphanet 54260, MedGen C1834481, MONDO:0013262, OMIM 613426.
Hypertrophic cardiomyopathy 1 (CMH1). Also called: Familial hypertrophic cardiomyopathy 1; MYH7-Related Familial Hypertrophic Cardiomyopathy. Identifiers: MedGen C3495498, MONDO:0008647, OMIM 192600.
Myopathy, myosin storage, autosomal recessive (CMYO7B). Also called: CONGENITAL MYOPATHY 7B, MYOSIN STORAGE, AUTOSOMAL RECESSIVE. Identifiers: Orphanet 636970, MedGen C1850709, MONDO:0009708, OMIM 255160.
MYH7-related skeletal myopathy. Also called: Laing distal myopathy; Myopathy, distal, 1; MYOPATHY, DISTAL, EARLY-ONSET, AUTOSOMAL DOMINANT; MYOPATHY, LATE DISTAL HEREDITARY; Laing early-onset distal myopathy. Identifiers: Orphanet 59135, MedGen C4552004, MONDO:0008050, OMIM 160500.
Myosin storage myopathy (CMYO7A). Also called: MYOPATHY WITH LYSIS OF TYPE I MYOFIBRILS; MYOPATHY, HYALINE BODY, AUTOSOMAL DOMINANT; MYH7-related late-onset scapuloperoneal muscular dystrophy; SCAPULOPERONEAL MUSCULAR DYSTROPHY; SCAPULOPERONEAL SYNDROME, MYOPATHIC TYPE; Congenital myopathy 7A, myosin storage, autosomal dominant. Identifiers: Orphanet 437572, Orphanet 636965, MedGen C1842160, MONDO:0008409, OMIM 608358.
Congenital myopathy with fiber type disproportion. Also called: Congenital fiber-type disproportion myopathy; Congenital fiber-type disproportion. Identifiers: Orphanet 2020, MedGen C0546264, MONDO:0009711. Inheritance: all.
Hypertrophic cardiomyopathy. Also called: HYPERTROPHIC MYOCARDIOPATHY. Identifiers: Orphanet 217569, MedGen C0007194, MeSH D002312, MONDO:0005045, HP:0001639.

Allele frequency attached by ClinVar (database versions not stated): gnomAD exomes below 0.00001; gnomAD 0.00001.

Submissions (2):

Labcorp Genetics (formerly Invitae), Labcorp
Classification: Uncertain significance for Hypertrophic cardiomyopathy. Last evaluated: 2025-04-30. Review status: criteria provided, single submitter. Criteria: Invitae Variant Classification Sherloc (09022015). Collection method: clinical testing. Allele origin: germline.
Comment: This sequence change replaces alanine, which is neutral and non-polar, with serine, which is neutral and polar, at codon 627 of the MYH7 protein (p.Ala627Ser). This variant is present in population databases (no rsID available, gnomAD 0.007%). This variant has not been reported in the literature in individuals affected with MYH7-related conditions. ClinVar contains an entry for this variant (Variation ID: 1390255). Invitae Evidence Modeling of protein sequence and biophysical properties (such as structural, functional, and spatial information, amino acid conservation, physicochemical variation, residue mobility, and thermodynamic stability) indicates that this missense variant is not expected to disrupt MYH7 protein function with a negative predictive value of 95%. This variant is found within a region of MYH7 between codons 181 and 937 that contains the majority of the myosin head domain. Missense variants in this region have been shown to be significantly overrepresented in individuals with hypertrophic cardiomyopathy (PMID: 27532257). In summary, the available evidence is currently insufficient to determine the role of this variant in disease. Therefore, it has been classified as a Variant of Uncertain Significance.

Fulgent Genetics
Classification: Uncertain significance for MYH7-related skeletal myopathy; Myosin storage myopathy; Hypertrophic cardiomyopathy 1; Myopathy, myosin storage, autosomal recessive; Congenital myopathy 4A, autosomal dominant; Dilated cardiomyopathy 1S. Last evaluated: 2021-10-15. Review status: criteria provided, single submitter. Criteria: ACMG Guidelines, 2015. Collection method: clinical testing. Allele origin: unknown.

Literature cited by the submitters: PubMed 27532257 (cited by Labcorp Genetics (formerly Invitae), Labcorp).

NM_000257.4(MYH7):c.1879G>T (p.Ala627Ser)

Gene: MYH7 (myosin heavy chain 7; minus strand). Cytogenetic location: 14q11.2.
Variant type: single nucleotide variant.
Coding change: c.1879G>T on transcript NM_000257.4 (MANE Select); coding-DNA position 1879, G replaced by T.
Protein change: p.Ala627Ser; replaces alanine 627 with serine.
Molecular consequence: missense variant.
Genome position (GRCh38, 1-based): chr14:23,427,594, C>A on the plus strand (G>T on the coding strand, the complement: MYH7 is on the minus strand). VCF-style: chr14-23427594-C-A. GRCh37 (hg19) VCF-style: chr14-23896803-C-A.
Other names: short protein forms A627S.
Identifiers: ClinVar variation 1390255 (VCV001390255.7), dbSNP rs1174863002, ClinGen allele CA389049628.
Genomic context (GRCh38, chr14:23,427,594, plus strand): 5'-CCTTGGCAGAATCCCTGCTCCTCTGTACCGGGAGCCTCAGTCCCTACTTACGCGCATCAG[C>A]CCCAGCATAGTTGGCAAACAGGGTGCTGAGCAGCTTGAGGGAAGACTTCTGATACAAGCC-3'
Protein context (NP_000248.2, residues 617-637): LSTLFANYAG[Ala627Ser]DAPIEKGKGK